The following is an entry in ClinVar:

NM_005570.4(LMAN1):c.936C>T (p.Pro312=)

Gene: LMAN1 (lectin, mannose binding 1; minus strand). Cytogenetic location: 18q21.32.
Variant type: single nucleotide variant.
Coding change: c.936C>T on transcript NM_005570.4 (MANE Select); coding-DNA position 936, C replaced by T.
Protein change: p.Pro312=; no amino-acid change (proline 312 retained).
Molecular consequence: synonymous variant.
Genome position (GRCh38, 1-based): chr18:59,345,938, G>A on the plus strand (C>T on the coding strand, the complement: LMAN1 is on the minus strand). VCF-style: chr18-59345938-G-A. GRCh37 (hg19) VCF-style: chr18-57013170-G-A.
Other names: p.Pro312=.
Identifiers: ClinVar variation 891545 (VCV000891545.40), dbSNP rs145829103, ClinGen allele CA8979773.
Genomic context (GRCh38, chr18:59,345,938, plus strand): 5'-AGCCCTGCTGCGGCACCCATGTCAGCTTTGCTACAACTCACCAGGCTGCCCTTGGAGGTC[G>A]GGGTGGCCCTTCTGGAATTCCTCTTTTTTTTTATCCAATTCTTGTTGAAAGTGCTCAAAT-3'
Protein context (NP_005561.1, residues 302-322): KKKEEFQKGH[Pro312=]DLQGQPAEEI

ClinVar aggregate classification (germline): Benign/Likely benign. Review status: criteria provided, multiple submitters, no conflicts (2 of 4 stars). 5 submissions from 5 submitters: Benign (3); Likely benign (2). Last evaluated 2025-12-16.

Conditions:
Factor V and factor VIII, combined deficiency of, type 1. Also called: FMFD I; MULTIPLE COAGULATION FACTOR DEFICIENCY I; Combined factor V and VIII deficiency; FAMILIAL MULTIPLE COAGULATION FACTOR DEFICIENCY I. Identifiers: Orphanet 35909, MedGen C4551981, MONDO:0009206, OMIM 227300.

Allele frequency attached by ClinVar (database versions not stated): 1000 Genomes Project 30x 0.00265; 1000 Genomes Project 0.00300; gnomAD exomes 0.00512 and 0.00891; ExAC 0.00517; gnomAD 0.00573 and 0.00609; TOPMed 0.00586; ESP Exome Variant Server 0.00800.
gnomAD v4.1: 13,851 of 1,613,858 alleles (0.86%); highest among the groups gnomAD compares: Non-Finnish European, 1.1%; 76 homozygotes.

Submissions (5):

Labcorp Genetics (formerly Invitae), Labcorp
Classification: Benign. Last evaluated: 2025-12-16. Review status: criteria provided, single submitter. Criteria: Invitae Variant Classification Sherloc (09022015). Collection method: clinical testing. Allele origin: germline.

CeGaT Center for Human Genetics Tuebingen
Classification: Benign. Last evaluated: 2025-08-01. Review status: criteria provided, single submitter. Criteria: CeGaT Center For Human Genetics Tuebingen Variant Classification Criteria Version 2. Collection method: clinical testing. Allele origin: germline. Affected: yes. Observed: 4 variant alleles.
Comment: LMAN1: BP4, BP7, BS1, BS2

Mayo Clinic Laboratories, Mayo Clinic
Classification: Benign. Last evaluated: 2024-03-28. Review status: criteria provided, single submitter. Criteria: ACMG Guidelines, 2015. Collection method: clinical testing. Allele origin: germline. Observed: 3 variant alleles.
Comment: BS1, BS2, BP4, BP7

Illumina Laboratory Services, Illumina
Classification: Likely benign for Factor V and factor VIII, combined deficiency of, type 1. Last evaluated: 2017-04-27. Review status: criteria provided, single submitter. Criteria: ICSL Variant Classification Criteria 13 December 2019. Collection method: clinical testing. Allele origin: germline.
Comment: This variant was observed as part of a predisposition screen in an ostensibly healthy population. A literature search was performed for the gene, cDNA change, and amino acid change (where applicable). No publications were found based on this search. Allele frequency data from public databases allowed determination this variant is unlikely to cause disease. Therefore, this variant is classified as likely benign.

Breakthrough Genomics
Classification: Likely benign. Review status: criteria provided, single submitter. Criteria: ACMG Guidelines, 2015. Collection method: not provided. Allele origin: germline. Inheritance: Autosomal recessive inheritance. Affected: yes.